The following is an entry in ClinVar:

ClinVar aggregate classification (germline): Uncertain significance (0 of 4 stars; one submission).

Conditions:
BCORL1-related disorder. Also called: BCORL1-related condition.

Submission:

PreventionGenetics, part of Exact Sciences
Classification: Uncertain significance for BCORL1-related condition. Last evaluated: 2024-09-04. Review status: no assertion criteria provided. Collection method: clinical testing. Allele origin: germline.
Comment: The BCORL1 c.1614G>C variant is predicted to result in the amino acid substitution p.Gln538His. To our knowledge, this variant has not been reported in the literature or in gnomAD, indicating this variant is rare. At this time, the clinical significance of this variant is uncertain due to the absence of conclusive functional and genetic evidence.

NM_001379451.1(BCORL1):c.1614G>C (p.Gln538His)

Gene: BCORL1 (BCL6 corepressor like 1; plus strand). Cytogenetic location: Xq26.1.
Variant type: single nucleotide variant.
Coding change: c.1614G>C on transcript NM_001379451.1 (MANE Select); coding-DNA position 1614, G replaced by C.
Protein change: p.Gln538His; replaces glutamine 538 with histidine.
Molecular consequence: missense variant.
Genome position (GRCh38, 1-based): chrX:130,014,386, G>C. VCF-style: chrX-130014386-G-C. GRCh37 (hg19) VCF-style: chrX-129148362-G-C.
Other names: c.1614G>C, p.Gln538His (NM_001184772.3, NM_001379450.1, NM_021946.5); short protein forms Q538H.
Identifiers: ClinVar variation 3346831 (VCV003346831.1).